The following is an entry in ClinVar:

NM_004655.4(AXIN2):c.2269C>G (p.His757Asp)

Gene: AXIN2 (axin 2; minus strand). Cytogenetic location: 17q24.1.
Variant type: single nucleotide variant.
Coding change: c.2269C>G on transcript NM_004655.4 (MANE Select); coding-DNA position 2269, C replaced by G.
Protein change: p.His757Asp; replaces histidine 757 with aspartic acid.
Molecular consequence: missense variant.
Genome position (GRCh38, 1-based): chr17:65,534,048, G>C on the plus strand (C>G on the coding strand, the complement: AXIN2 is on the minus strand). VCF-style: chr17-65534048-G-C. GRCh37 (hg19) VCF-style: chr17-63530166-G-C.
Other names: c.2074C>G, p.His692Asp (NM_001363813.1); short protein forms H757D, H692D.
Identifiers: ClinVar variation 4743140 (VCV004743140.2).

ClinVar aggregate classification (germline): Uncertain significance. Review status: criteria provided, multiple submitters, no conflicts (2 of 4 stars). 2 submissions from 2 submitters: Uncertain significance (2). Last evaluated 2026-03-16.

Conditions:
Hereditary cancer-predisposing syndrome. Also called: Neoplastic Syndromes, Hereditary; Tumor predisposition; Hereditary Cancer Syndrome; Hereditary neoplastic syndrome. Identifiers: Orphanet 140162, MedGen C0027672, MeSH D009386, MONDO:0015356.
Oligodontia-cancer predisposition syndrome. Also called: TOOTH AGENESIS-COLORECTAL CANCER SYNDROME. Identifiers: Orphanet 300576, MedGen C1837750, MONDO:0012075, OMIM 608615. Disease mechanism: loss of function.

Submissions (2):

Ambry Genetics
Classification: Uncertain significance for Hereditary cancer-predisposing syndrome. Last evaluated: 2026-03-16. Review status: criteria provided, single submitter. Criteria: Ambry Variant Classification Scheme 2023. Collection method: clinical testing. Allele origin: germline.
Comment: The p.H757D variant (also known as c.2269C>G), located in coding exon 9 of the AXIN2 gene, results from a C to G substitution at nucleotide position 2269. The histidine at codon 757 is replaced by aspartic acid, an amino acid with similar properties. This amino acid position is conserved. In addition, the in silico prediction for this alteration is inconclusive. Based on the available evidence, the clinical significance of this variant remains unclear.

Labcorp Genetics (formerly Invitae), Labcorp
Classification: Uncertain significance for Oligodontia-cancer predisposition syndrome. Last evaluated: 2025-04-29. Review status: criteria provided, single submitter. Criteria: Invitae Variant Classification Sherloc (09022015). Collection method: clinical testing. Allele origin: germline.
Comment: This sequence change replaces histidine, which is basic and polar, with aspartic acid, which is acidic and polar, at codon 757 of the AXIN2 protein (p.His757Asp). This variant is not present in population databases (gnomAD no frequency). This variant has not been reported in the literature in individuals affected with AXIN2-related conditions. Invitae Evidence Modeling of protein sequence and biophysical properties (such as structural, functional, and spatial information, amino acid conservation, physicochemical variation, residue mobility, and thermodynamic stability) indicates that this missense variant is not expected to disrupt AXIN2 protein function with a negative predictive value of 80%. In summary, the available evidence is currently insufficient to determine the role of this variant in disease. Therefore, it has been classified as a Variant of Uncertain Significance.